The following is an entry in ClinVar:

ClinVar aggregate classification (germline): Conflicting classifications of pathogenicity. Review status: criteria provided, conflicting classifications (1 of 4 stars). 2 submissions from 2 submitters: Uncertain significance (1); Likely benign (1). Last evaluated 2026-04-06.

Conditions:
Microcephaly 26, primary, autosomal dominant. Identifiers: MedGen C5543048, MONDO:0030928, OMIM 619179.

Submissions (2):

Centre for Medical Genetics,  Mumbai
Classification: Likely benign for Microcephaly 26, primary, autosomal dominant. Last evaluated: 2026-04-06. Review status: criteria provided, single submitter. Criteria: ACMG Guidelines, 2015. Collection method: provider interpretation. Allele origin: germline. Inheritance: Autosomal dominant inheritance. Affected: no. Observed: 1 variant allele, 1 heterozygote.
Comment: The variant satisfies PM2 criteria; Extremely low frequency in gnomAD population databases. The variant satisfies PP3 criteria; For a missense or a splicing region variant, computational prediction tools unanimously support a deleterious effect on the gene. However, the variant satisfies BS2 criteria.

Revvity Omics, Revvity
Classification: Uncertain significance. Last evaluated: 2024-09-19. Review status: criteria provided, single submitter. Criteria: ACMG Guidelines, 2015. Collection method: clinical testing. Allele origin: germline.

Literature cited by the submitters: PubMed 32910914 (cited by Centre for Medical Genetics,  Mumbai).

NM_005573.4(LMNB1):c.1328G>A (p.Cys443Tyr)

Gene: LMNB1 (lamin B1; plus strand). Cytogenetic location: 5q23.2.
Variant type: single nucleotide variant.
Coding change: c.1328G>A on transcript NM_005573.4 (MANE Select); coding-DNA position 1328, G replaced by A.
Protein change: p.Cys443Tyr; replaces cysteine 443 with tyrosine.
Molecular consequence: missense variant. On other transcripts: non-coding transcript variant (2).
Genome position (GRCh38, 1-based): chr5:126,821,077, G>A. VCF-style: chr5-126821077-G-A. GRCh37 (hg19) VCF-style: chr5-126156769-G-A.
Other names: c.698G>A, p.Cys233Tyr (NM_001198557.2); short protein forms C233Y, C443Y.
Identifiers: ClinVar variation 4079208 (VCV004079208.2).